The following is an entry in ClinVar:

NM_005422.4(TECTA):c.5609A>G (p.Tyr1870Cys)

Genes: TBCEL-TECTA (TBCEL-TECTA readthrough; plus strand), TECTA (tectorin alpha; plus strand). Cytogenetic location: 11q23.3.
Variant type: single nucleotide variant.
Coding change: c.5609A>G on transcript NM_005422.4 (MANE Select); coding-DNA position 5609, A replaced by G.
Protein change: p.Tyr1870Cys; replaces tyrosine 1870 with cysteine.
Molecular consequence: missense variant.
Genome position (GRCh38, 1-based): chr11:121,168,076, A>G. VCF-style: chr11-121168076-A-G. GRCh37 (hg19) VCF-style: chr11-121038785-A-G.
Other names: NM_005422.2:c.5609A>G; c.6551A>G, p.Tyr2184Cys (NM_001378761.1); short protein forms Y1870C, Y2184C.
Identifiers: ClinVar variation 7014 (VCV000007014.3), dbSNP rs121909058, ClinGen allele CA254066.

ClinVar aggregate classification (germline): Pathogenic. Review status: criteria provided, single submitter (1 of 4 stars). 2 submissions from 2 submitters: Pathogenic (1). 1 of the submissions does not count toward it. Last evaluated 2020-08-01.

Conditions:
Autosomal dominant nonsyndromic hearing loss 12. Also called: DEAFNESS, AUTOSOMAL DOMINANT 8. Identifiers: Orphanet 90635, MedGen C1832187, MONDO:0011102, OMIM 601543.

Submissions (2):

King Laboratory, University of Washington
Classification: Pathogenic for Autosomal dominant nonsyndromic hearing loss 12. Last evaluated: 2020-08-01. Review status: criteria provided, single submitter. Criteria: Abu Rayyan A et al. (Proc Natl Acad Sci U S A 2020). Collection method: research. Allele origin: germline. Affected: yes.
Comment: TECTA c.5609A>G, p.Y1870C is the original mutation responsible for dominantly inherited hearing loss due to TECTA (Nat Genet 1998). The variant alters a residue that is completely conserved in all sequenced vertebrates. It is heterozygous in 2 children with moderate to severe hearing loss from a Palestinian family with dominantly inherited hearing loss documented in 4 generations (Abu Rayyan 2020). The variant is absent from 1300 Palestinian controls and absent from gnomAD v2.1.1.

OMIM
Classification: Pathogenic for DEAFNESS, AUTOSOMAL DOMINANT 12. Last evaluated: 1998-05-01. Review status: no assertion criteria provided. Collection method: literature only. Allele origin: germline. Not counted in ClinVar's aggregate classification.

Literature cited by the submitters: PubMed 9590290 (cited by OMIM).